The following is an entry in ClinVar:

ClinVar aggregate classification (germline): Uncertain significance (1 of 4 stars; one submission).

Submission:

Labcorp Genetics (formerly Invitae), Labcorp
Classification: Uncertain significance. Last evaluated: 2023-08-24. Review status: criteria provided, single submitter. Criteria: Invitae Variant Classification Sherloc (09022015). Collection method: clinical testing. Allele origin: germline.
Comment: ClinVar contains an entry for this variant (Variation ID: 2087724). In summary, the available evidence is currently insufficient to determine the role of this variant in disease. Therefore, it has been classified as a Variant of Uncertain Significance. An algorithm developed to predict the effect of missense changes on protein structure and function (PolyPhen-2) suggests that this variant is likely to be disruptive. This variant has not been reported in the literature in individuals affected with COX15-related conditions. This variant is not present in population databases (gnomAD no frequency). This sequence change replaces serine, which is neutral and polar, with tyrosine, which is neutral and polar, at codon 344 of the COX15 protein (p.Ser344Tyr).

NM_078470.6(COX15):c.1031C>A (p.Ser344Tyr)

Gene: COX15 (cytochrome c oxidase assembly factor COX15; minus strand). Cytogenetic location: 10q24.2.
Variant type: single nucleotide variant.
Coding change: c.1031C>A on transcript NM_078470.6 (MANE Select); coding-DNA position 1031, C replaced by A.
Protein change: p.Ser344Tyr; replaces serine 344 with tyrosine.
Molecular consequence: missense variant. On other transcripts: synonymous variant (2), non-coding transcript variant (1).
Genome position (GRCh38, 1-based): chr10:99,716,418, G>T on the plus strand (C>A on the coding strand, the complement: COX15 is on the minus strand). VCF-style: chr10-99716418-G-T. GRCh37 (hg19) VCF-style: chr10-101476175-G-T.
Other names: c.1031C>A, p.Ser344Tyr (NM_001320974.2, NM_001372024.1, NM_001372027.1 and 1 more transcripts); c.876C>A, p.Leu292= (NM_001320975.2, NM_001372028.1); c.494C>A, p.Ser165Tyr (NM_001320976.2); c.1049C>A, p.Ser350Tyr (NM_001372025.1); c.1004C>A, p.Ser335Tyr (NM_001372026.1); short protein forms S335Y, S344Y, S165Y, S350Y.
Identifiers: ClinVar variation 2087724 (VCV002087724.4), dbSNP rs2492668105, ClinGen allele CA378101611.